The following is an entry in ClinVar:

ClinVar aggregate classification (germline): Conflicting classifications of pathogenicity. Review status: criteria provided, conflicting classifications (1 of 4 stars). 6 submissions from 5 submitters: Uncertain significance (3); Likely benign (2). 1 of the submissions does not count toward it. Last evaluated 2026-01-28.

Conditions:
Irido-corneo-trabecular dysgenesis (ASGD5). Also called: ANTERIOR SEGMENT DYSGENESIS 5. Identifiers: Orphanet 708, MedGen C0344559, MONDO:0011414, OMIM 604229, HP:0000659.
Congenital glaucoma. Identifiers: MedGen C0020302, MONDO:0020366.
CYP1B1-related disorder. Also called: CYP1B1-Related Disorders. Identifiers: MedGen CN239260.
Glaucoma 3A. Also called: Glaucoma 3, primary congenital, A. Identifiers: Orphanet 98976, Orphanet 98977, MedGen C1856439, MONDO:0009277, OMIM 231300.

Allele frequency attached by ClinVar (database versions not stated): TOPMed 0.00066; ESP Exome Variant Server 0.00092.

Submissions (6):

Labcorp Genetics (formerly Invitae), Labcorp
Classification: Likely benign for Congenital glaucoma. Last evaluated: 2026-01-28. Review status: criteria provided, single submitter. Criteria: Invitae Variant Classification Sherloc (09022015). Collection method: clinical testing. Allele origin: germline.

GeneDx
Classification: Likely benign. Last evaluated: 2019-03-31. Review status: criteria provided, single submitter. Criteria: GeneDx Variant Classification Process June 2021. Collection method: clinical testing. Allele origin: germline. Affected: yes.

Illumina Laboratory Services, Illumina
Classification: Uncertain significance for Glaucoma 3A. Last evaluated: 2018-01-13. Review status: criteria provided, single submitter. Criteria: ICSL Variant Classification Criteria 13 December 2019. Collection method: clinical testing. Allele origin: germline.

Illumina Laboratory Services, Illumina
Classification: Uncertain significance for Irido-corneo-trabecular dysgenesis. Last evaluated: 2018-01-13. Review status: criteria provided, single submitter. Criteria: ICSL Variant Classification Criteria 13 December 2019. Collection method: clinical testing. Allele origin: germline.

Eurofins Ntd Llc (ga)
Classification: Uncertain significance. Last evaluated: 2017-03-30. Review status: criteria provided, single submitter. Criteria: EGL Classification Definitions 2015. Collection method: clinical testing. Allele origin: germline. Observed: 1 variant allele, 1 heterozygote.

PreventionGenetics, part of Exact Sciences
Classification: Likely benign for CYP1B1-related condition. Last evaluated: 2019-11-07. Review status: no assertion criteria provided. Collection method: clinical testing. Allele origin: germline. Not counted in ClinVar's aggregate classification.
Comment: This variant is classified as likely benign based on ACMG/AMP sequence variant interpretation guidelines (Richards et al. 2015 PMID: 25741868, with internal and published modifications).

NM_000104.4(CYP1B1):c.1590T>C (p.Asp530=)

Gene: CYP1B1 (cytochrome P450 family 1 subfamily B member 1; minus strand). Cytogenetic location: 2p22.2.
Variant type: single nucleotide variant.
Coding change: c.1590T>C on transcript NM_000104.4 (MANE Select); coding-DNA position 1590, T replaced by C.
Protein change: p.Asp530=; no amino-acid change (aspartic acid 530 retained).
Molecular consequence: synonymous variant.
Genome position (GRCh38, 1-based): chr2:38,070,764, A>G on the plus strand (T>C on the coding strand, the complement: CYP1B1 is on the minus strand). VCF-style: chr2-38070764-A-G. GRCh37 (hg19) VCF-style: chr2-38297907-A-G.
Identifiers: ClinVar variation 501002 (VCV000501002.30), dbSNP rs146770394, ClinGen allele CA1619749.